The following is an entry in ClinVar:

NM_001933.5(DLST):c.1148C>A (p.Thr383Lys)

Gene: DLST (dihydrolipoamide S-succinyltransferase; plus strand). Cytogenetic location: 14q24.3.
Variant type: single nucleotide variant.
Coding change: c.1148C>A on transcript NM_001933.5 (MANE Select); coding-DNA position 1148, C replaced by A.
Protein change: p.Thr383Lys; replaces threonine 383 with lysine.
Molecular consequence: missense variant. On other transcripts: non-coding transcript variant (2).
Genome position (GRCh38, 1-based): chr14:74,901,154, C>A. VCF-style: chr14-74901154-C-A. GRCh37 (hg19) VCF-style: chr14-75367857-C-A.
Other names: short protein forms T383K.
Identifiers: ClinVar variation 4742814 (VCV004742814.1).

ClinVar aggregate classification (germline): Uncertain significance (1 of 4 stars; one submission).

Submission:

Labcorp Genetics (formerly Invitae), Labcorp
Classification: Uncertain significance. Last evaluated: 2025-05-22. Review status: criteria provided, single submitter. Criteria: Invitae Variant Classification Sherloc (09022015). Collection method: clinical testing. Allele origin: germline.
Comment: This sequence change replaces threonine, which is neutral and polar, with lysine, which is basic and polar, at codon 383 of the DLST protein (p.Thr383Lys). This variant is not present in population databases (gnomAD no frequency). This variant has not been reported in the literature in individuals affected with DLST-related conditions. Invitae Evidence Modeling of protein sequence and biophysical properties (such as structural, functional, and spatial information, amino acid conservation, physicochemical variation, residue mobility, and thermodynamic stability) indicates that this missense variant is expected to disrupt DLST protein function with a positive predictive value of 80%. In summary, the available evidence is currently insufficient to determine the role of this variant in disease. Therefore, it has been classified as a Variant of Uncertain Significance.